The following is an entry in ClinVar:

ClinVar aggregate classification (germline): Uncertain significance (1 of 4 stars; one submission).

Conditions:
Autosomal recessive limb-girdle muscular dystrophy type 2J (LGMDR10). Also called: Limb-girdle muscular dystrophy, type 2J; MUSCULAR DYSTROPHY, LIMB-GIRDLE, AUTOSOMAL RECESSIVE 10. Identifiers: Orphanet 140922, MedGen C1837342, MONDO:0012127, OMIM 608807.
Dilated cardiomyopathy 1G (CMD1G). Identifiers: Orphanet 154, MedGen C1858763, MONDO:0011400, OMIM 604145.

gnomAD v4.1: 1 of 1,613,968 alleles (0.000062%); highest among the groups gnomAD compares: Non-Finnish European, 0.000085%; no homozygotes.

Submission:

Labcorp Genetics (formerly Invitae), Labcorp
Classification: Uncertain significance for Dilated cardiomyopathy 1G; Autosomal recessive limb-girdle muscular dystrophy type 2J. Last evaluated: 2026-01-25. Review status: criteria provided, single submitter. Criteria: Invitae Variant Classification Sherloc (09022015). Collection method: clinical testing. Allele origin: germline.
Comment: This sequence change replaces arginine, which is basic and polar, with glycine, which is neutral and non-polar, at codon 34680 of the TTN protein (p.Arg34680Gly). This variant is not present in population databases (gnomAD no frequency). This variant has not been reported in the literature in individuals affected with TTN-related conditions. ClinVar contains an entry for this variant (Variation ID: 3752302). Experimental studies and prediction algorithms are not available or were not evaluated, and the functional significance of this variant is currently unknown. This variant is located in the M band of TTN (PMID: 25589632). Non-truncating variants in this region may be relevant for neuromuscular disorders, but have not been definitively shown to cause cardiomyopathy (PMID: 23975875). In summary, the available evidence is currently insufficient to determine the role of this variant in disease. Therefore, it has been classified as a Variant of Uncertain Significance.

Literature cited by the submitters: PubMed 25589632; PubMed 23975875.

NM_001267550.2(TTN):c.104038A>G (p.Arg34680Gly)

Genes: TTN (titin; minus strand), TTN-AS1 (TTN antisense RNA 1; plus strand). Cytogenetic location: 2q31.2.
Variant type: single nucleotide variant.
Coding change: c.104038A>G on transcript NM_001267550.2 (MANE Select); coding-DNA position 104038, A replaced by G.
Protein change: p.Arg34680Gly; replaces arginine 34680 with glycine.
Molecular consequence: missense variant.
Genome position (GRCh38, 1-based): chr2:178,532,577, T>C on the plus strand (A>G on the coding strand, the complement: TTN is on the minus strand). VCF-style: chr2-178532577-T-C. GRCh37 (hg19) VCF-style: chr2-179397304-T-C.
Other names: c.99115A>G, p.Arg33039Gly (NM_001256850.1); c.76843A>G, p.Arg25615Gly (NM_003319.4); c.96334A>G, p.Arg32112Gly (NM_133378.4); c.77218A>G, p.Arg25740Gly (NM_133432.3); c.77419A>G, p.Arg25807Gly (NM_133437.4); short protein forms R25615G, R25740G, R25807G, R32112G, R33039G, R34680G.
Identifiers: ClinVar variation 3752302 (VCV003752302.2).